The following is an entry in ClinVar:

ClinVar aggregate classification (germline): Likely benign. Review status: criteria provided, multiple submitters, no conflicts (2 of 4 stars). 4 submissions from 4 submitters: Likely benign (4). Last evaluated 2025-08-11.

Conditions:
Early-infantile DEE. Also called: Ohtahara syndrome; Early infantile epileptic encephalopathy with suppression bursts; Early infantile epileptic encephalopathy. Identifiers: Orphanet 1934, MedGen C0393706, MONDO:0800491.
Inborn genetic diseases. Identifiers: MedGen C0950123, MeSH D030342.

Allele frequency attached by ClinVar (database versions not stated): gnomAD 0.00011 and 0.00012; ESP Exome Variant Server 0.00015; TOPMed 0.00017.
gnomAD v4.1: 62 of 1,614,184 alleles (0.0038%); highest among the groups gnomAD compares: African/African-American, 0.04%; no homozygotes.

Submissions (4):

Labcorp Genetics (formerly Invitae), Labcorp
Classification: Likely benign for Early-infantile DEE. Last evaluated: 2025-08-11. Review status: criteria provided, single submitter. Criteria: Invitae Variant Classification Sherloc (09022015). Collection method: clinical testing. Allele origin: germline.

Mayo Clinic Laboratories, Mayo Clinic
Classification: Likely benign. Last evaluated: 2025-01-30. Review status: criteria provided, single submitter. Criteria: ACMG Guidelines, 2015. Collection method: clinical testing. Allele origin: germline. Observed: 1 variant allele.
Comment: BS2, BP4_moderate

GeneDx
Classification: Likely benign. Last evaluated: 2018-08-09. Review status: criteria provided, single submitter. Criteria: GeneDx Variant Classification Process June 2021. Collection method: clinical testing. Allele origin: germline. Affected: yes.

Ambry Genetics
Classification: Likely benign for Inborn genetic diseases. Last evaluated: 2016-08-05. Review status: criteria provided, single submitter. Criteria: Ambry Variant Classification Scheme 2023. Collection method: clinical testing. Allele origin: germline.

NM_001130438.3(SPTAN1):c.4543G>A (p.Gly1515Ser)

Gene: SPTAN1 (spectrin alpha, non-erythrocytic 1; plus strand). Cytogenetic location: 9q34.11.
Variant type: single nucleotide variant.
Coding change: c.4543G>A on transcript NM_001130438.3 (MANE Select); coding-DNA position 4543, G replaced by A.
Protein change: p.Gly1515Ser; replaces glycine 1515 with serine.
Molecular consequence: missense variant.
Genome position (GRCh38, 1-based): chr9:128,608,925, G>A. VCF-style: chr9-128608925-G-A. GRCh37 (hg19) VCF-style: chr9-131371204-G-A.
Other names: p.Gly1515Ser; c.4483G>A, p.Gly1495Ser (NM_001195532.2, NM_001363765.2); c.4543G>A, p.Gly1515Ser (NM_001363759.2, NM_003127.4); short protein forms G1515S, G1495S.
Identifiers: ClinVar variation 380315 (VCV000380315.19), dbSNP rs149899658, ClinGen allele CA5265210.